The following is an entry in ClinVar:

NM_001378778.1(MPDZ):c.5147_5167dup (p.Lys1716_Asp1722dup)

Gene: MPDZ (multiple PDZ domain crumbs cell polarity complex component; minus strand). Cytogenetic location: 9p23.
Variant type: Duplication.
Coding change: c.5147_5167dup on transcript NM_001378778.1 (MANE Select); coding-DNA positions 5147 to 5167, 21 bases duplicated (AAGAGGAGGAAGTGTGTGACA).
Protein change: p.Lys1716_Asp1722dup.
Molecular consequence: inframe insertion.
Genome position (GRCh38, 1-based): chr9:13,121,803-13,121,823, TGTCACACACTTCCTCCTCTT duplicated on the plus strand (AAGAGGAGGAAGTGTGTGACA on the coding strand, the reverse complement: MPDZ is on the minus strand); duplicating any 21 consecutive bases within chr9:13,121,803-13,121,826 gives the same sequence; the c. name uses the placement nearest the transcript's 3' end. VCF-style (leftmost placement, unchanged base first): chr9-13121802-G-GTGTCACACACTTCCTCCTCTT. GRCh37 (hg19) VCF-style: chr9-13121801-G-GTGTCACACACTTCCTCCTCTT.
Other names: c.5048_5068dup, p.Lys1683_Asp1689dup (NM_001261406.2, NM_001261407.2, NM_001375416.1 and 3 more transcripts); c.5147_5167dup, p.Lys1716_Asp1722dup (NM_001330637.2, NM_003829.5); c.5246_5266dup, p.Lys1749_Asp1755dup (NM_001375413.1); c.4937_4957dup, p.Lys1646_Asp1652dup (NM_001375420.1, NM_001375421.1, NM_001375422.1 and 4 more transcripts); c.4739_4759dup, p.Lys1580_Asp1586dup (NM_001375427.1).
Identifiers: ClinVar variation 1401402 (VCV001401402.6), dbSNP rs1944390509, ClinGen allele CA1834260884.

ClinVar aggregate classification (germline): Uncertain significance (1 of 4 stars; one submission).

Submission:

Labcorp Genetics (formerly Invitae), Labcorp
Classification: Uncertain significance. Last evaluated: 2021-06-24. Review status: criteria provided, single submitter. Criteria: Invitae Variant Classification Sherloc (09022015). Collection method: clinical testing. Allele origin: germline.
Comment: This variant, c.5147_5167dup, results in the insertion of 7 amino acid(s) to the MPDZ protein (p.Lys1716_Asp1722dup), but otherwise preserves the integrity of the reading frame. This variant is not present in population databases (ExAC no frequency). This variant has been observed in individual(s) with retinitis pigmentosa (Invitae). Algorithms developed to predict the effect of sequence changes on RNA splicing suggest that this variant may create or strengthen a splice site. In summary, the available evidence is currently insufficient to determine the role of this variant in disease. Therefore, it has been classified as a Variant of Uncertain Significance.